The following is an entry in ClinVar:

NM_005012.4(ROR1):c.493G>A (p.Glu165Lys)

Gene: ROR1 (receptor tyrosine kinase like orphan receptor 1; plus strand). Cytogenetic location: 1p31.3.
Variant type: single nucleotide variant.
Coding change: c.493G>A on transcript NM_005012.4 (MANE Select); coding-DNA position 493, G replaced by A.
Protein change: p.Glu165Lys; replaces glutamic acid 165 with lysine.
Molecular consequence: missense variant.
Genome position (GRCh38, 1-based): chr1:64,137,379, G>A. VCF-style: chr1-64137379-G-A. GRCh37 (hg19) VCF-style: chr1-64603062-G-A.
Other names: c.493G>A, p.Glu165Lys (NM_001083592.2); short protein forms E165K.
Identifiers: ClinVar variation 2980514 (VCV002980514.3), dbSNP rs571667839, ClinGen allele CA890094.

ClinVar aggregate classification (germline): Uncertain significance (1 of 4 stars; one submission).

Allele frequency attached by ClinVar (database versions not stated): gnomAD exomes 0.00001; ExAC 0.00003; gnomAD 0.00003; TOPMed 0.00003; 1000 Genomes Project 0.00040; 1000 Genomes Project 30x 0.00047.
gnomAD v4.1: 12 of 1,613,978 alleles (0.00074%); highest among the groups gnomAD compares: Admixed American, 0.0083%; no homozygotes.

Submission:

Labcorp Genetics (formerly Invitae), Labcorp
Classification: Uncertain significance. Last evaluated: 2023-04-12. Review status: criteria provided, single submitter. Criteria: Invitae Variant Classification Sherloc (09022015). Collection method: clinical testing. Allele origin: germline.
Comment: This variant is present in population databases (rs571667839, gnomAD 0.01%). In summary, the available evidence is currently insufficient to determine the role of this variant in disease. Therefore, it has been classified as a Variant of Uncertain Significance. Advanced modeling of protein sequence and biophysical properties (such as structural, functional, and spatial information, amino acid conservation, physicochemical variation, residue mobility, and thermodynamic stability) performed at Invitae indicates that this missense variant is not expected to disrupt ROR1 protein function. This variant has not been reported in the literature in individuals affected with ROR1-related conditions. This sequence change replaces glutamic acid, which is acidic and polar, with lysine, which is basic and polar, at codon 165 of the ROR1 protein (p.Glu165Lys).